The following is an entry in ClinVar:

NM_000363.5(TNNI3):c.508C>A (p.Arg170=)

Gene: TNNI3 (troponin I3, cardiac type; minus strand). Cytogenetic location: 19q13.42.
Variant type: single nucleotide variant.
Coding change: c.508C>A on transcript NM_000363.5 (MANE Select); coding-DNA position 508, C replaced by A.
Protein change: p.Arg170=; no amino-acid change (arginine 170 retained).
Molecular consequence: synonymous variant.
Genome position (GRCh38, 1-based): chr19:55,154,071, G>T on the plus strand (C>A on the coding strand, the complement: TNNI3 is on the minus strand). VCF-style: chr19-55154071-G-T. GRCh37 (hg19) VCF-style: chr19-55665439-G-T.
Identifiers: ClinVar variation 924395 (VCV000924395.5), dbSNP rs727503504, ClinGen allele CA508989385.

ClinVar aggregate classification (germline): Likely benign. Review status: criteria provided, multiple submitters, no conflicts (2 of 4 stars). 4 submissions from 4 submitters: Likely benign (4). Last evaluated 2023-10-12.

Conditions:
Cardiomyopathy (CMYO). Also called: Cardiomyopathies. Identifiers: Orphanet 167848, MedGen C0878544, MONDO:0004994, HP:0001638. Inheritance: Various modes of inheritance.
Cardiovascular phenotype. Identifiers: MedGen CN230736.
Hypertrophic cardiomyopathy. Also called: HYPERTROPHIC MYOCARDIOPATHY. Identifiers: Orphanet 217569, MedGen C0007194, MeSH D002312, MONDO:0005045, HP:0001639.

Allele frequency attached by ClinVar (database versions not stated): gnomAD exomes below 0.00001.

Submissions (4):

Ambry Genetics
Classification: Likely benign for Cardiovascular phenotype. Last evaluated: 2023-10-12. Review status: criteria provided, single submitter. Criteria: Ambry Variant Classification Scheme 2023. Collection method: clinical testing. Allele origin: germline.

All of Us Research Program, National Institutes of Health
Classification: Likely benign for Hypertrophic cardiomyopathy. Last evaluated: 2023-05-15. Review status: criteria provided, single submitter. Criteria: ACMG Guidelines, 2015. Collection method: clinical testing. Allele origin: germline. Inheritance: Autosomal dominant inheritance. Observed: 2 variant alleles, 2 heterozygotes.
Comment: This study involves interpretation of variants in research participants for the purpose of population health screening. Participant phenotype was not available at the time of variant classification. Additional details can be found in publication PMID: 35346344, PMCID: PMC8962531

Color Diagnostics, LLC DBA Color Health
Classification: Likely benign for Cardiomyopathy. Last evaluated: 2019-12-23. Review status: criteria provided, single submitter. Criteria: ACMG Guidelines, 2015. Collection method: clinical testing. Allele origin: germline.

Breakthrough Genomics
Classification: Likely benign. Review status: criteria provided, single submitter. Criteria: ACMG Guidelines, 2015. Collection method: not provided. Allele origin: germline. Inheritance: Autosomal recessive inheritance. Affected: yes.